The following is an entry in ClinVar:

ClinVar aggregate classification (germline): Uncertain significance. Review status: criteria provided, multiple submitters, no conflicts (2 of 4 stars). 3 submissions from 3 submitters: Uncertain significance (3). Last evaluated 2024-10-09.

Conditions:
Hypersulfaturia (HYSULF). Identifiers: MedGen C5830511, MONDO:0957268, OMIM 620372.
Nephrolithiasis susceptibility caused by SLC26A1 (CAON1). Also called: NEPHROLITHIASIS, CALCIUM OXALATE, 1. Identifiers: MedGen C5779632, MONDO:0020722, OMIM 167030.
Inborn genetic diseases. Identifiers: MedGen C0950123, MeSH D030342.

Allele frequency attached by ClinVar (database versions not stated): ExAC 0.00002; gnomAD exomes 0.00003; TOPMed 0.00003; gnomAD 0.00005.
gnomAD v4.1: 62 of 1,601,288 alleles (0.0039%); highest among the groups gnomAD compares: Middle Eastern, 0.016%; 1 homozygote.

Submissions (3):

Ambry Genetics
Classification: Uncertain significance for Inborn genetic diseases. Last evaluated: 2024-10-09. Review status: criteria provided, single submitter. Criteria: Ambry Variant Classification Scheme 2023. Collection method: clinical testing. Allele origin: germline.

Fulgent Genetics
Classification: Uncertain significance for Nephrolithiasis susceptibility caused by SLC26A1; Hypersulfaturia. Last evaluated: 2024-06-05. Review status: criteria provided, single submitter. Criteria: ACMG Guidelines, 2015. Collection method: clinical testing. Allele origin: germline.

Labcorp Genetics (formerly Invitae), Labcorp
Classification: Uncertain significance. Last evaluated: 2022-08-12. Review status: criteria provided, single submitter. Criteria: Invitae Variant Classification Sherloc (09022015). Collection method: clinical testing. Allele origin: germline.
Comment: This variant has not been reported in the literature in individuals affected with SLC26A1-related conditions. The frequency data for this variant in the population databases is considered unreliable, as metrics indicate poor data quality at this position in the gnomAD database. This sequence change replaces threonine, which is neutral and polar, with methionine, which is neutral and non-polar, at codon 294 of the SLC26A1 protein (p.Thr294Met). Algorithms developed to predict the effect of missense changes on protein structure and function output the following: SIFT: "Deleterious"; PolyPhen-2: "Possibly Damaging"; Align-GVGD: "Class C15". The methionine amino acid residue is found in multiple mammalian species, which suggests that this missense change does not adversely affect protein function. In summary, the available evidence is currently insufficient to determine the role of this variant in disease. Therefore, it has been classified as a Variant of Uncertain Significance.

NM_022042.4(SLC26A1):c.881C>T (p.Thr294Met)

Genes: IDUA (alpha-L-iduronidase; plus strand), SLC26A1 (solute carrier family 26 member 1; minus strand). Cytogenetic location: 4p16.3.
Variant type: single nucleotide variant.
Coding change: c.881C>T on transcript NM_022042.4 (MANE Select); coding-DNA position 881, C replaced by T.
Protein change: p.Thr294Met; replaces threonine 294 with methionine.
Molecular consequence: missense variant. On other transcripts: intron variant (2).
Genome position (GRCh38, 1-based): chr4:990,058, G>A on the plus strand (C>T on the coding strand, the complement: SLC26A1 is on the minus strand). VCF-style: chr4-990058-G-A. GRCh37 (hg19) VCF-style: chr4-983846-G-A.
Other names: c.881C>T (NM_213613.2); c.881C>T, p.Thr294Met (NM_213613.4); c.576+1070C>T (NM_134425.4); c.299+2109G>A (NM_000203.5); short protein forms T294M.
Identifiers: ClinVar variation 2054608 (VCV002054608.6), dbSNP rs750448829, ClinGen allele CA2801517.
Genomic context (GRCh38, chr4:990,058, plus strand): 5'-CGCTTGTGGAGCTGCCCGAAGTGCGACACGAGTGTGGCCACCACGATGACCAGCAGCTCC[G>A]TGGGCAGCGGCACCCTCAGGCGGTGTCGGTAGCGGTCTGAGAGCTCCTTCGCGGCTAGCA-3'
Protein context (NP_071325.2, residues 284-304): YRHRLRVPLP[Thr294Met]ELLVIVVATL